The following is an entry in ClinVar:

NM_021830.5(TWNK):c.1669A>G (p.Ile557Val)

Gene: TWNK (twinkle mtDNA helicase; plus strand). Cytogenetic location: 10q24.31.
Variant type: single nucleotide variant.
Coding change: c.1669A>G on transcript NM_021830.5 (MANE Select); coding-DNA position 1669, A replaced by G.
Protein change: p.Ile557Val; replaces isoleucine 557 with valine.
Molecular consequence: missense variant. On other transcripts: non-coding transcript variant (5).
Genome position (GRCh38, 1-based): chr10:100,990,945, A>G. VCF-style: chr10-100990945-A-G. GRCh37 (hg19) VCF-style: chr10-102750702-A-G.
Other names: c.1669A>G, p.Ile557Val (NM_001163812.2); c.307A>G, p.Ile103Val (NM_001163813.2, NM_001163814.2, NM_001368275.1); short protein forms I103V, I557V.
Identifiers: ClinVar variation 3253322 (VCV003253322.2), dbSNP rs747092610.

ClinVar aggregate classification (germline): Uncertain significance. Review status: criteria provided, multiple submitters, no conflicts (2 of 4 stars). 2 submissions from 2 submitters: Uncertain significance (2). Last evaluated 2025-08-18.

Allele frequency attached by ClinVar (database versions not stated): TOPMed below 0.00001; ExAC 0.00001; gnomAD 0.00001; gnomAD exomes 0.00001.

Submissions (2):

Labcorp Genetics (formerly Invitae), Labcorp
Classification: Uncertain significance. Last evaluated: 2025-08-18. Review status: criteria provided, single submitter. Criteria: Invitae Variant Classification Sherloc (09022015). Collection method: clinical testing. Allele origin: germline.
Comment: This sequence change replaces isoleucine, which is neutral and non-polar, with valine, which is neutral and non-polar, at codon 557 of the TWNK protein (p.Ile557Val). This variant is present in population databases (rs747092610, gnomAD 0.0009%). This variant has not been reported in the literature in individuals affected with TWNK-related conditions. ClinVar contains an entry for this variant (Variation ID: 3253322). Invitae Evidence Modeling of protein sequence and biophysical properties (such as structural, functional, and spatial information, amino acid conservation, physicochemical variation, residue mobility, and thermodynamic stability) has been performed for this missense variant. However, the output from this modeling did not meet the statistical confidence thresholds required to predict the impact of this variant on TWNK protein function. In summary, the available evidence is currently insufficient to determine the role of this variant in disease. Therefore, it has been classified as a Variant of Uncertain Significance.

GeneDx
Classification: Uncertain significance. Last evaluated: 2023-10-17. Review status: criteria provided, single submitter. Criteria: GeneDx Variant Classification Process June 2021. Collection method: clinical testing. Allele origin: germline. Affected: yes.
Comment: Not observed at significant frequency in large population cohorts (gnomAD); In silico analysis supports that this missense variant does not alter protein structure/function; Has not been previously published as pathogenic or benign to our knowledge